The following is an entry in ClinVar:

NM_004568.6(SERPINB6):c.424A>G (p.Thr142Ala)

Gene: SERPINB6 (serpin family B member 6; minus strand). Cytogenetic location: 6p25.2.
Variant type: single nucleotide variant.
Coding change: c.424A>G on transcript NM_004568.6 (MANE Select); coding-DNA position 424, A replaced by G.
Protein change: p.Thr142Ala; replaces threonine 142 with alanine.
Molecular consequence: missense variant. On other transcripts: non-coding transcript variant (1).
Genome position (GRCh38, 1-based): chr6:2,954,598, T>C on the plus strand (A>G on the coding strand, the complement: SERPINB6 is on the minus strand). VCF-style: chr6-2954598-T-C. GRCh37 (hg19) VCF-style: chr6-2954832-T-C.
Other names: c.436A>G, p.Thr146Ala (NM_001195291.3, NM_001374515.1); c.466A>G, p.Thr156Ala (NM_001271822.2); c.481A>G, p.Thr161Ala (NM_001271823.2); c.424A>G, p.Thr142Ala (NM_001271824.2, NM_001271825.2, NM_001297699.2 and 2 more transcripts); c.292A>G, p.Thr98Ala (NM_001374517.1); short protein forms T142A, T146A, T156A, T161A, T98A.
Identifiers: ClinVar variation 681516 (VCV000681516.1), dbSNP rs200861589, ClinGen allele CA3617560.

ClinVar aggregate classification (germline): Likely benign (1 of 4 stars; one submission).

Allele frequency attached by ClinVar (database versions not stated): TOPMed 0.00001; ESP Exome Variant Server 0.00008; gnomAD exomes 0.00011 and 0.00025; ExAC 0.00021; gnomAD 0.00025 and 0.00026; 1000 Genomes Project 30x 0.00047; 1000 Genomes Project 0.00060.
gnomAD v4.1: 201 of 1,611,390 alleles (0.012%); highest among the groups gnomAD compares: Non-Finnish European, 0.0015%; 1 homozygote.

Submission:

GeneDx
Classification: Likely benign. Last evaluated: 2018-04-11. Review status: criteria provided, single submitter. Criteria: GeneDx Variant Classification (06012015). Collection method: clinical testing. Allele origin: germline. Affected: yes.
Comment: This variant is considered likely benign or benign based on one or more of the following criteria: it is a conservative change, it occurs at a poorly conserved position in the protein, it is predicted to be benign by multiple in silico algorithms, and/or has population frequency not consistent with disease.